The following is an entry in ClinVar:

NM_000179.3(MSH6):c.2280G>A (p.Glu760=)

Gene: MSH6 (mutS homolog 6; plus strand). Cytogenetic location: 2p16.3.
Variant type: single nucleotide variant.
Coding change: c.2280G>A on transcript NM_000179.3 (MANE Select); coding-DNA position 2280, G replaced by A.
Protein change: p.Glu760=; no amino-acid change (glutamic acid 760 retained).
Molecular consequence: synonymous variant. On other transcripts: non-coding transcript variant (5), intron variant (2).
Genome position (GRCh38, 1-based): chr2:47,800,263, G>A. VCF-style: chr2-47800263-G-A. GRCh37 (hg19) VCF-style: chr2-48027402-G-A.
Other names: c.1890G>A, p.Glu630= (NM_001281492.2); c.1374G>A, p.Glu458= (NM_001281493.2, NM_001281494.2, NM_001406811.1 and 6 more transcripts); c.2376G>A, p.Glu792= (NM_001406795.1, NM_001406802.1); c.2280G>A, p.Glu760= (NM_001406796.1, NM_001406798.1, NM_001406800.1 and 3 more transcripts); c.1983G>A, p.Glu661= (NM_001406797.1, NM_001406801.1, NM_001406805.1 and 10 more transcripts); c.1755G>A, p.Glu585= (NM_001406799.1, NM_001406806.1, NM_001406807.1); c.2202G>A, p.Glu734= (NM_001406804.1); c.2286G>A, p.Glu762= (NM_001406813.1); and 3 more.
Identifiers: ClinVar variation 3904161 (VCV003904161.1).

ClinVar aggregate classification (germline): Benign (1 of 4 stars; one submission).

Conditions:
Lynch syndrome 5 (LYNCH5). Also called: Colorectal cancer, hereditary nonpolyposis, type 5; Hereditary non-polyposis colorectal cancer, type 5. Identifiers: Orphanet 144, MedGen C1833477, MONDO:0013710, OMIM 614350. Disease mechanism: loss of function.

Submission:

Myriad Genetics, Inc.
Classification: Benign for Lynch syndrome 5. Last evaluated: 2024-12-30. Review status: criteria provided, single submitter. Criteria: Myriad Autosomal Dominant, Autosomal Recessive and X-Linked Classification Criteria (2023). Collection method: clinical testing. Allele origin: unknown.
Comment: This variant is considered benign. This variant is a silent/synonymous amino acid change and it is not expected to impact splicing.